The following is an entry in ClinVar:

NM_005431.2(XRCC2):c.11_17del (p.Ala4fs)

Gene: XRCC2 (X-ray repair cross complementing 2; minus strand). Cytogenetic location: 7q36.1.
Variant type: Deletion.
Coding change: c.11_17del on transcript NM_005431.2 (MANE Select); coding-DNA positions 11 to 17, 7 bases deleted (CCTTCCA; older notation c.11_17delCCTTCCA).
Protein change: p.Ala4fs; shifts the reading frame from alanine 4.
Molecular consequence: frameshift variant.
Genome position (GRCh38, 1-based): chr7:152,676,063-152,676,069, TGGAAGG deleted on the plus strand (CCTTCCA on the coding strand, the reverse complement: XRCC2 is on the minus strand). VCF-style (leftmost placement, unchanged base first): chr7-152676062-ATGGAAGG-A. GRCh37 (hg19) VCF-style: chr7-152373147-ATGGAAGG-A.
Other names: short protein forms A4fs.
Identifiers: ClinVar variation 1955766 (VCV001955766.5), dbSNP rs2098040951, ClinGen allele CA1108867655.

ClinVar aggregate classification (germline): Uncertain significance (1 of 4 stars; one submission).

Allele frequency attached by ClinVar (database versions not stated): gnomAD 0.00001.

Submission:

Labcorp Genetics (formerly Invitae), Labcorp
Classification: Uncertain significance. Last evaluated: 2022-08-09. Review status: criteria provided, single submitter. Criteria: Invitae Variant Classification Sherloc (09022015). Collection method: clinical testing. Allele origin: germline.
Comment: In summary, the available evidence is currently insufficient to determine the role of this variant in disease. Therefore, it has been classified as a Variant of Uncertain Significance. This variant has not been reported in the literature in individuals affected with XRCC2-related conditions. This variant is not present in population databases (gnomAD no frequency). This sequence change creates a premature translational stop signal (p.Ala4Valfs*19) in the XRCC2 gene. It is expected to result in an absent or disrupted protein product. However, the current clinical and genetic evidence is not sufficient to establish whether loss-of-function variants in XRCC2 cause disease.